The following is an entry in ClinVar:

NM_032119.4(ADGRV1):c.16310del (p.Thr5437fs)

Gene: ADGRV1 (adhesion G protein-coupled receptor V1; plus strand). Cytogenetic location: 5q14.3.
Variant type: Deletion.
Coding change: c.16310del on transcript NM_032119.4 (MANE Select); coding-DNA position 16310, one base deleted (C; older notation c.16310delC).
Protein change: p.Thr5437fs; shifts the reading frame from threonine 5437.
Molecular consequence: frameshift variant. On other transcripts: non-coding transcript variant (1).
Genome position (GRCh38, 1-based): chr5:90,823,538, C deleted. VCF-style (leftmost placement, unchanged base first): chr5-90823537-AC-A. GRCh37 (hg19) VCF-style: chr5-90119354-AC-A.
Other names: short protein forms T5437fs.
Identifiers: ClinVar variation 1452783 (VCV001452783.6), dbSNP rs2150301790, ClinGen allele CA2573140034.
Genomic context (GRCh38, chr5:90,823,537, plus strand): 5'-GTCGTGCTCCAGAAGGATGGGGTAAACCTGGTGGAGGAACTTCAGTCTGTGTCAGGGACC[AC>A]AACCTGTACAATGGGTCAAACAAAATGCTTTATCAGCATTGAACTCAAACCAGAAAAGGT-3'

ClinVar aggregate classification (germline): Pathogenic (1 of 4 stars; one submission).

Submission:

Labcorp Genetics (formerly Invitae), Labcorp
Classification: Pathogenic. Last evaluated: 2021-07-21. Review status: criteria provided, single submitter. Criteria: Invitae Variant Classification Sherloc (09022015). Collection method: clinical testing. Allele origin: germline.
Comment: This variant is not present in population databases (ExAC no frequency). This sequence change creates a premature translational stop signal (p.Thr5437Lysfs*41) in the ADGRV1 gene. It is expected to result in an absent or disrupted protein product. Loss-of-function variants in ADGRV1 are known to be pathogenic (PMID: 19357117, 22135276, 22147658, 26226137, 26667666, 30029497, 32467589). For these reasons, this variant has been classified as Pathogenic. This variant has not been reported in the literature in individuals affected with ADGRV1-related conditions.

Literature cited by the submitters: PubMed 19357117; PubMed 22135276; PubMed 22147658; PubMed 26226137; PubMed 26667666; PubMed 30029497; PubMed 32467589.